The following is an entry in ClinVar:

ClinVar aggregate classification (germline): Uncertain significance. Review status: criteria provided, multiple submitters, no conflicts (2 of 4 stars). 2 submissions from 2 submitters: Uncertain significance (2). Last evaluated 2024-08-23.

Conditions:
Cardiomyopathy (CMYO). Also called: Cardiomyopathies. Identifiers: Orphanet 167848, MedGen C0878544, MONDO:0004994, HP:0001638. Inheritance: Various modes of inheritance.

gnomAD v4.1: 1 of 1,614,088 alleles (0.000062%); highest among the groups gnomAD compares: Non-Finnish European, 0.000085%; no homozygotes.

Submissions (2):

All of Us Research Program, National Institutes of Health
Classification: Uncertain significance for Cardiomyopathy. Last evaluated: 2024-08-23. Review status: criteria provided, single submitter. Criteria: ACMG Guidelines, 2015. Collection method: clinical testing. Allele origin: germline. Inheritance: Autosomal dominant inheritance. Observed: 1 variant allele, 1 heterozygote.
Comment: This missense variant replaces glycine with cysteine at codon 110 of the MYH7 protein. Computational prediction tools indicate that this variant has a neutral impact on protein structure and function. To our knowledge, functional studies have not been reported for this variant. This variant has been reported in an individual affected with hypertrophic cardiomyopathy (PMID: 29875424, 30297972). This variant has been identified in 1/251400 chromosomes in the general population by the Genome Aggregation Database (gnomAD). The available evidence is insufficient to determine the role of this variant in disease conclusively. Therefore, this variant is classified as a Variant of Uncertain Significance.

This study involves interpretation of variants in research participants for the purpose of population health screening. Participant phenotype was not available at the time of variant classification. Additional details can be found in publication PMID: 35346344, PMCID: PMC8962531

Color Diagnostics, LLC DBA Color Health
Classification: Uncertain significance for Cardiomyopathy. Last evaluated: 2024-08-13. Review status: criteria provided, single submitter. Criteria: ACMG Guidelines, 2015. Collection method: clinical testing. Allele origin: germline.
Comment: This missense variant replaces glycine with cysteine at codon 110 of the MYH7 protein. Computational prediction tools indicate that this variant has a neutral impact on protein structure and function. To our knowledge, functional studies have not been reported for this variant. This variant has been reported in an individual affected with hypertrophic cardiomyopathy (PMID: 29875424, 30297972). This variant has been identified in 1/251400 chromosomes in the general population by the Genome Aggregation Database (gnomAD). The available evidence is insufficient to determine the role of this variant in disease conclusively. Therefore, this variant is classified as a Variant of Uncertain Significance.

Literature cited by the submitters: PubMed 29875424 (cited by All of Us Research Program, National Institutes of Health and Color Diagnostics, LLC DBA Color Health); PubMed 30297972 (cited by All of Us Research Program, National Institutes of Health and Color Diagnostics, LLC DBA Color Health).

NM_000257.4(MYH7):c.328G>T (p.Gly110Cys)

Gene: MYH7 (myosin heavy chain 7; minus strand). Cytogenetic location: 14q11.2.
Variant type: single nucleotide variant.
Coding change: c.328G>T on transcript NM_000257.4 (MANE Select); coding-DNA position 328, G replaced by T.
Protein change: p.Gly110Cys; replaces glycine 110 with cysteine.
Molecular consequence: missense variant.
Genome position (GRCh38, 1-based): chr14:23,433,101, C>A on the plus strand (G>T on the coding strand, the complement: MYH7 is on the minus strand). VCF-style: chr14-23433101-C-A. GRCh37 (hg19) VCF-style: chr14-23902310-C-A.
Other names: c.328G>T, p.Gly110Cys (NM_001407004.1); short protein forms G110C.
Identifiers: ClinVar variation 2773972 (VCV002773972.3), dbSNP rs763893822, ClinGen allele CA389053066.